The following is an entry in ClinVar:

ClinVar aggregate classification (germline): Uncertain significance. Review status: criteria provided, multiple submitters, no conflicts (2 of 4 stars). 2 submissions from 2 submitters: Uncertain significance (2). Last evaluated 2022-11-04.

Allele frequency attached by ClinVar (database versions not stated): TOPMed 0.00001; gnomAD exomes 0.00002.
gnomAD v4.1: 20 of 1,204,410 alleles (0.0017%); highest among the groups gnomAD compares: Non-Finnish European, 0.0023%; no homozygotes.

Submissions (2):

Women's Health and Genetics/Laboratory Corporation of America, LabCorp
Classification: Uncertain significance. Last evaluated: 2022-11-04. Review status: criteria provided, single submitter. Criteria: LabCorp Variant Classification Summary - May 2015. Collection method: clinical testing. Allele origin: germline.
Comment: Variant summary: PHKA2 c.993T>G (p.Phe331Leu) results in a non-conservative amino acid change located in the Overlapping homologous superfamilies domain (IPR011613) of the encoded protein sequence. Five of five in-silico tools predict a damaging effect of the variant on protein function. The variant allele was found at a frequency of 5.4e-06 in 183490 control chromosomes (gnomAD). The available data on variant occurrences in the general population are insufficient to allow any conclusion about variant significance. To our knowledge, no occurrence of c.993T>G in individuals affected with Glycogen Storage Disease, Type IXa1 and no experimental evidence demonstrating its impact on protein function have been reported. No clinical diagnostic laboratories have submitted clinical-significance assessments for this variant to ClinVar after 2014. Based on the evidence outlined above, the variant was classified as uncertain significance.

GeneDx
Classification: Uncertain significance. Last evaluated: 2022-10-14. Review status: criteria provided, single submitter. Criteria: GeneDx Variant Classification Process June 2021. Collection method: clinical testing. Allele origin: germline. Affected: yes.
Comment: Not observed at significant frequency in large population cohorts (gnomAD); In silico analysis supports that this missense variant has a deleterious effect on protein structure/function; Has not been previously published as pathogenic or benign to our knowledge

NM_000292.3(PHKA2):c.993T>G (p.Phe331Leu)

Gene: PHKA2 (phosphorylase kinase regulatory subunit alpha 2; minus strand). Cytogenetic location: Xp22.13.
Variant type: single nucleotide variant.
Coding change: c.993T>G on transcript NM_000292.3 (MANE Select); coding-DNA position 993, T replaced by G.
Protein change: p.Phe331Leu; replaces phenylalanine 331 with leucine.
Molecular consequence: missense variant.
Genome position (GRCh38, 1-based): chrX:18,938,675, A>C on the plus strand (T>G on the coding strand, the complement: PHKA2 is on the minus strand). VCF-style: chrX-18938675-A-C. GRCh37 (hg19) VCF-style: chrX-18956793-A-C.
Other names: short protein forms F331L.
Identifiers: ClinVar variation 1804670 (VCV001804670.2), dbSNP rs1409457133, ClinGen allele CA412396528.
Genomic context (GRCh38, chrX:18,938,675, plus strand): 5'-GCATTTTCTCACCTGAACAGCATCACCACTGAAGACTCCATCTATTATAAAATATGTCCA[A>C]AACACAGGCCACTCACATTCAATGTTTTCGAAGAGCTTGAGTTCAGCAGGGTCATAATGC-3'
Protein context (NP_000283.1, residues 321-341): FENIECEWPV[Phe331Leu]WTYFIIDGVF